The following is an entry in ClinVar:

NM_016156.6(MTMR2):c.1694A>T (p.Tyr565Phe)

Gene: MTMR2 (myotubularin related protein 2; minus strand). Cytogenetic location: 11q21.
Variant type: single nucleotide variant.
Coding change: c.1694A>T on transcript NM_016156.6 (MANE Select); coding-DNA position 1694, A replaced by T.
Protein change: p.Tyr565Phe; replaces tyrosine 565 with phenylalanine.
Molecular consequence: missense variant.
Genome position (GRCh38, 1-based): chr11:95,836,224, T>A on the plus strand (A>T on the coding strand, the complement: MTMR2 is on the minus strand). VCF-style: chr11-95836224-T-A. GRCh37 (hg19) VCF-style: chr11-95569388-T-A.
Other names: c.1478A>T, p.Tyr493Phe (NM_001243571.2, NM_201278.3, NM_201281.3); short protein forms Y565F, Y493F.
Identifiers: ClinVar variation 1778197 (VCV001778197.2), dbSNP rs200717440, ClinGen allele CA6239896.

ClinVar aggregate classification (germline): Uncertain significance (1 of 4 stars; one submission).

Conditions:
Inborn genetic diseases. Identifiers: MedGen C0950123, MeSH D030342.

Allele frequency attached by ClinVar (database versions not stated): gnomAD 0.00001; ExAC 0.00002; gnomAD exomes 0.00004; 1000 Genomes Project 30x 0.00016; 1000 Genomes Project 0.00020.
gnomAD v4.1: 27 of 1,612,930 alleles (0.0017%); highest among the groups gnomAD compares: East Asian, 0.06%; 1 homozygote.

Submission:

Ambry Genetics
Classification: Uncertain significance for Inborn genetic diseases. Last evaluated: 2019-09-17. Review status: criteria provided, single submitter. Criteria: Ambry Variant Classification Scheme 2023. Collection method: clinical testing. Allele origin: germline.
Comment: The p.Y565F variant (also known as c.1694A>T), located in coding exon 14 of the MTMR2 gene, results from an A to T substitution at nucleotide position 1694. The tyrosine at codon 565 is replaced by phenylalanine, an amino acid with highly similar properties. This amino acid position is well conserved in available vertebrate species; however, phenylalanine is the reference amino acid in other vertebrate species. In addition, this alteration is predicted to be tolerated by in silico analysis. Since supporting evidence is limited at this time, the clinical significance of this alteration remains unclear.